The following is an entry in ClinVar:

ClinVar aggregate classification (germline): Conflicting classifications of pathogenicity. Review status: criteria provided, conflicting classifications (1 of 4 stars). 5 submissions from 5 submitters: Uncertain significance (3); Likely benign (2). Last evaluated 2026-01-26.

Conditions:
Hereditary cancer-predisposing syndrome. Also called: Tumor predisposition; Hereditary Cancer Syndrome; Hereditary neoplastic syndrome; Neoplastic Syndromes, Hereditary. Identifiers: Orphanet 140162, MedGen C0027672, MeSH D009386, MONDO:0015356.
Hereditary breast ovarian cancer syndrome. Also called: Breast and ovarian cancer; Hereditary breast and/or ovarian cancer syndrome; BRCA1- and BRCA2-Associated Hereditary Breast and Ovarian Cancer; Hereditary breast and ovarian cancer syndrome; Hereditary breast and ovarian cancer syndrome (HBOC); Hereditary breast and ovarian cancer. Identifiers: Orphanet 145, MedGen C0677776, MeSH D061325, MONDO:0003582. Disease mechanism: loss of function.
Breast-ovarian cancer, familial, susceptibility to, 1 (BROVCA1). Also called: BRCA1 Hereditary Breast and Ovarian Cancer; OVARIAN CANCER, SUSCEPTIBILITY TO. Identifiers: Orphanet 145, MedGen C2676676, MONDO:0011450, OMIM 604370. Disease mechanism: loss of function.

gnomAD v4.1: 1 of 1,610,740 alleles (0.000062%); highest among the groups gnomAD compares: African/African-American, 0.0013%; no homozygotes.

Submissions (6):

Labcorp Genetics (formerly Invitae), Labcorp
Classification: Uncertain significance for Hereditary breast ovarian cancer syndrome. Last evaluated: 2026-01-26. Review status: criteria provided, single submitter. Criteria: Invitae Variant Classification Sherloc (09022015). Collection method: clinical testing. Allele origin: germline.
Comment: This sequence change replaces valine, which is neutral and non-polar, with leucine, which is neutral and non-polar, at codon 1665 of the BRCA1 protein (p.Val1665Leu). This variant is not present in population databases (gnomAD no frequency). This missense change has been observed in individual(s) with clinical features of BRCA1-related conditions (PMID: 21120943). ClinVar contains an entry for this variant (Variation ID: 479204). Invitae Evidence Modeling incorporating data from in vitro experimental studies (PMID: 30209399) indicates that this missense variant is not expected to disrupt BRCA1 function with a negative predictive value of 95%. Experimental studies have shown that this missense change does not substantially affect BRCA1 function (PMID: 30209399, 30257991). In summary, the available evidence is currently insufficient to determine the role of this variant in disease. Therefore, it has been classified as a Variant of Uncertain Significance.

GeneDx
Classification: Uncertain significance. Last evaluated: 2024-10-16. Review status: criteria provided, single submitter. Criteria: GeneDx Variant Classification Process June 2021. Collection method: clinical testing. Allele origin: germline. Affected: yes.
Comment: Not observed at significant frequency in large population cohorts (gnomAD); In silico analysis supports that this missense variant has a deleterious effect on protein structure/function; Also known as 5112G>C; This variant is associated with the following publications: (PMID: 32257056, 30209399, 30257991, 21120943, 25348405, 39187384)

Lupski Lab, Baylor-Hopkins CMG, Baylor College of Medicine
Classification: Likely benign for Breast-ovarian cancer, familial, susceptibility to, 1. Last evaluated: 2024-04-12. Review status: criteria provided, single submitter. Criteria: Dawood et al. (medRxiv. 2024). Collection method: curation. Allele origin: germline.
Comment: Each variant was annotated with functional scores from MAVE data which was translated into functional evidence codes. All other evidence codes and combining criteria were adhered to as closely as possible based on the ClinGen VCEP (Variant Curation Expert Panel) gene-specific recommendations. See Supplemental Figure 34 of final paper (Supp Fig. 28 in preprint: doi:10.1101/2024.04.11.24305690) for a table to see which lines of evidence we did not have data for. The ClinGen VCEPs are highly regarded as the gold-standard for gene-specific variant curation and are developed after extensive evaluation of the evidence by clinical and scientific experts for the particular gene to classify genomic variants on a spectrum from pathogenic to benign using the 2015 ACMG/AMP Variant Interpretation Guidelines as a backbone (PMID: 25741868). Reclassification of these VUS variants from gnomAD or All of Us focused only on variants originally prescribed as VUS in ClinVar. To ensure reproducibility, transparency, and increased throughput, all the procedures for annotating variants and assigning evidence codes were codified using Python. All code has been made freely available and is linked in the Code Availability section and all reclassified variants with evidence codes used can be found in Tables S18-19 (preprint: doi:10.1101/2024.04.11.24305690). For the MAVE data, the clinical curation and clinical strength assignment as per the ClinGen recommendations in Brnich et al. (2020) (PMID: 31892348) for or against pathogenicity or benignity of each of these MAVE datasets utilized in this study were previously published in Fayer et al. (2021) (PMID: 34793697).In brief, for BRCA1 variants, if a variant was categorized as FUNC (functional), it was assigned BS3 evidence and no PS3 evidence, whereas if it was categorized as LOF (loss of function), the variant was assigned PS3 evidence and no BS3 evidence. Variants categorized as INT (intermediate) were left unannotated. For the BRCA1 combining criteria, greater than or equal to 1 criteria of strong benign evidence was enough to reclassify the VUS as Likely Benign. This variant GRCh38:17:43067689:C>G was assigned evidence codes ['BS3', 'BP4'] and an overall classification of Likely benign

Ambry Genetics
Classification: Likely benign for Hereditary cancer-predisposing syndrome. Last evaluated: 2021-09-20. Review status: criteria provided, single submitter. Criteria: Ambry Variant Classification Scheme 2023. Collection method: clinical testing. Allele origin: germline.

Color Diagnostics, LLC DBA Color Health
Classification: Uncertain significance for Hereditary cancer-predisposing syndrome. Last evaluated: 2019-01-17. Review status: criteria provided, single submitter. Criteria: ACMG Guidelines, 2015. Collection method: clinical testing. Allele origin: germline.

Brotman Baty Institute, University of Washington
No classification provided (evidence only). Condition: Breast-ovarian cancer, familial 1. Review status: no classification provided. Collection method: in vitro. Allele origin: not applicable. Functional consequence: functionally_normal. Not counted in ClinVar's aggregate classification.
ClinVar note: "not provided" was previously submitted as the classification for the variant. However, the classification appeared to be based only on an observation of functional data so it was converted to no classification on 2025-07-30.

Literature cited by the submitters: PubMed 21120943 (cited by Labcorp Genetics (formerly Invitae), Labcorp); PubMed 30209399 (cited by Labcorp Genetics (formerly Invitae), Labcorp and Ambry Genetics); PubMed 30257991 (cited by Labcorp Genetics (formerly Invitae), Labcorp); PubMed 39142283 (cited by Lupski Lab, Baylor-Hopkins CMG, Baylor College of Medicine); PubMed 34793697 (cited by Lupski Lab, Baylor-Hopkins CMG, Baylor College of Medicine); DOI 10.1101/2024.04.11.24305690 (cited by Lupski Lab, Baylor-Hopkins CMG, Baylor College of Medicine).

NM_007294.4(BRCA1):c.4993G>C (p.Val1665Leu)

Gene: BRCA1 (BRCA1 DNA repair associated; minus strand). Cytogenetic location: 17q21.31.
Variant type: single nucleotide variant.
Coding change: c.4993G>C on transcript NM_007294.4 (MANE Select); coding-DNA position 4993, G replaced by C.
Protein change: p.Val1665Leu; replaces valine 1665 with leucine.
Molecular consequence: missense variant. On other transcripts: non-coding transcript variant (1).
Genome position (GRCh38, 1-based): chr17:43,067,689, C>G on the plus strand (G>C on the coding strand, the complement: BRCA1 is on the minus strand). VCF-style: chr17-43067689-C-G. GRCh37 (hg19) VCF-style: chr17-41219706-C-G.
Other names: c.4780G>C, p.Val1594Leu (NM_001407571.1, NM_001407894.1, NM_001407895.1 and 12 more transcripts); c.5059G>C, p.Val1687Leu (NM_001407581.1, NM_001407582.1); c.5056G>C, p.Val1686Leu (NM_001407583.1, NM_001407585.1, NM_001407587.1 and 1 more transcripts); c.5053G>C, p.Val1685Leu (NM_001407590.1, NM_001407591.1); c.4993G>C, p.Val1665Leu (NM_001407593.1, NM_001407594.1, NM_001407596.1 and 8 more transcripts); c.4990G>C, p.Val1664Leu (NM_001407616.1, NM_001407617.1, NM_001407618.1 and 17 more transcripts); c.4987G>C, p.Val1663Leu (NM_001407635.1, NM_001407636.1, NM_001407637.1 and 14 more transcripts); c.4777G>C, p.Val1593Leu (NM_001407918.1, NM_001407915.1, NM_001407916.1 and 1 more transcripts); and 70 more; short protein forms V1665L, V1618L, V561L, V1686L, V1553L, V1554L, V1621L, V1623L.
Identifiers: ClinVar variation 479204 (VCV000479204.21), dbSNP rs80357169, ClinGen allele CA10591533.